The following is an entry in ClinVar:

NM_145868.2(ANXA11):c.237_266del (p.Ala80_Gly89del)

Genes: ANXA11 (annexin A11; minus strand), LOC130004184 (ATAC-STARR-seq lymphoblastoid silent region 2543; plus strand). Cytogenetic location: 10q22.3.
Variant type: Deletion.
Coding change: c.237_266del on transcript NM_145868.2 (MANE Select); coding-DNA positions 237 to 266, 30 bases deleted (GGCTGGCTACCCACCAGTGCCCCCTGGCGG).
Protein change: p.Ala80_Gly89del.
Molecular consequence: inframe deletion.
Genome position (GRCh38, 1-based): chr10:80,169,264-80,169,293, CCGCCAGGGGGCACTGGTGGGTAGCCAGCC deleted on the plus strand (GGCTGGCTACCCACCAGTGCCCCCTGGCGG on the coding strand, the reverse complement: ANXA11 is on the minus strand); deleting any 30 consecutive bases within chr10:80,169,264-80,169,295 gives the same sequence; the c. name uses the placement nearest the transcript's 3' end. VCF-style (leftmost placement, unchanged base first): chr10-80169263-GCCGCCAGGGGGCACTGGTGGGTAGCCAGCC-G. GRCh37 (hg19) VCF-style: chr10-81929019-GCCGCCAGGGGGCACTGGTGGGTAGCCAGCC-G.
Other names: c.237_266del, p.Ala80_Gly89del (NM_001157.3, NM_001278407.2, NM_001278408.2 and 1 more transcripts); c.138_167del, p.Ala47_Gly56del (NM_001278409.2).
Identifiers: ClinVar variation 2634767 (VCV002634767.1), dbSNP rs1157246473, ClinGen allele CA594464779.

ClinVar aggregate classification (germline): Uncertain significance (1 of 4 stars; one submission).

Conditions:
ANXA11-related disorder. Also called: ANXA11-related condition.

Submission:

PreventionGenetics, part of Exact Sciences
Classification: Uncertain significance for ANXA11-related condition. Last evaluated: 2023-06-21. Review status: criteria provided, single submitter. Criteria: ACMG Guidelines, 2015. Collection method: clinical testing. Allele origin: germline.
Comment: The ANXA11 c.237_266del30 variant is predicted to result in an in-frame deletion (p.Ala80_Gly89del). To our knowledge, this variant has not been reported in the literature. This variant is reported in 0.0% of alleles in individuals of African descent in gnomAD. At this time, the clinical significance of this variant is uncertain due to the absence of conclusive functional and genetic evidence.